The following is an entry in ClinVar:

ClinVar aggregate classification (germline): Conflicting classifications of pathogenicity. Review status: criteria provided, conflicting classifications (1 of 4 stars). 4 submissions from 3 submitters: Uncertain significance (1); Benign (2); Likely benign (1). Last evaluated 2026-01-12.

Conditions:
Brain-lung-thyroid syndrome. Also called: Choreoathetosis, Congenital Hypothyroidism, and Neonatal Respiratory Distress Syndrome (Brain-Lung-Thyroid Syndrome); CHOREOATHETOSIS AND CONGENITAL HYPOTHYROIDISM WITH PULMONARY DYSFUNCTION; Choreoathetosis, congenital hypothyroidism, and neonatal respiratory distress. Identifiers: Orphanet 209905, MedGen C1970269, MONDO:0012593, OMIM 610978.
Benign hereditary chorea (BHC). Also called: Benign Hereditary Chorea (BHC); HEREDITARY PROGRESSIVE CHOREA WITHOUT DEMENTIA. Identifiers: Orphanet 1429, MedGen C0393584, MONDO:0021011, OMIM 118700.

Allele frequency attached by ClinVar (database versions not stated): gnomAD exomes 0.00018; ExAC 0.00026; 1000 Genomes Project 0.00060; 1000 Genomes Project 30x 0.00078; ESP Exome Variant Server 0.00078; gnomAD 0.00094 and 0.00103; TOPMed 0.00097.

Submissions (4):

Labcorp Genetics (formerly Invitae), Labcorp
Classification: Likely benign. Last evaluated: 2026-01-12. Review status: criteria provided, single submitter. Criteria: Invitae Variant Classification Sherloc (09022015). Collection method: clinical testing. Allele origin: germline.

GeneDx
Classification: Uncertain significance. Last evaluated: 2025-02-25. Review status: criteria provided, single submitter. Criteria: GeneDx Variant Classification Process June 2021. Collection method: clinical testing. Allele origin: germline. Affected: yes.
Comment: In silico analysis indicates that this missense variant does not alter protein structure/function; Has not been previously published as pathogenic or benign to our knowledge

Illumina Laboratory Services, Illumina
Classification: Benign for Benign hereditary chorea. Last evaluated: 2018-01-12. Review status: criteria provided, single submitter. Criteria: ICSL Variant Classification Criteria 13 December 2019. Collection method: clinical testing. Allele origin: germline.
Comment: This variant was observed in the ICSL laboratory as part of a predisposition screen in an ostensibly healthy population. It had not been previously curated by ICSL or reported in the Human Gene Mutation Database (HGMD: prior to June 1st, 2018), and was therefore a candidate for classification through an automated scoring system. Utilizing variant allele frequency, disease prevalence and penetrance estimates, and inheritance mode, an automated score was calculated to assess if this variant is too frequent to cause the disease. Based on the score and internal cut-off values, a variant classified as benign is not then subjected to further curation. The score for this variant resulted in a classification of benign for this disease.

Illumina Laboratory Services, Illumina
Classification: Benign for Brain-lung-thyroid syndrome. Last evaluated: 2018-01-12. Review status: criteria provided, single submitter. Criteria: ICSL Variant Classification Criteria 13 December 2019. Collection method: clinical testing. Allele origin: germline.
Comment: the same text as in the submission from Illumina Laboratory Services, Illumina above.

NM_001079668.3(NKX2-1):c.190C>A (p.Leu64Ile)

Genes: NKX2-1 (NK2 homeobox 1; minus strand), SFTA3 (surfactant associated 3; minus strand). Cytogenetic location: 14q13.3.
Variant type: single nucleotide variant.
Coding change: c.190C>A on transcript NM_001079668.3 (MANE Select); coding-DNA position 190, C replaced by A.
Protein change: p.Leu64Ile; replaces leucine 64 with isoleucine.
Molecular consequence: missense variant.
Genome position (GRCh38, 1-based): chr14:36,519,258, G>T on the plus strand (C>A on the coding strand, the complement: NKX2-1 is on the minus strand). VCF-style: chr14-36519258-G-T. GRCh37 (hg19) VCF-style: chr14-36988463-G-T.
Other names: c.100C>A, p.Leu34Ile (NM_003317.4); short protein forms L34I, L64I.
Identifiers: ClinVar variation 695624 (VCV000695624.14), dbSNP rs201631950, ClinGen allele CA7158568.